The following is an entry in ClinVar:

ClinVar aggregate classification (germline): Uncertain significance (1 of 4 stars; one submission).

Submission:

Dasa
Classification: Uncertain significance. Last evaluated: 2026-01-14. Review status: criteria provided, single submitter. Criteria: DASA Assertion Criteria. Collection method: clinical testing. Allele origin: germline.
Comment: NM_000088.4(COL1A1):c.3659_3661del (p.Asp1220del) is an in-frame deletion predicted to remove aspartic acid at protein position 1220 without shifting the reading frame. This variant is rare in population databases. The currently available literature and clinical evidence are not sufficient to establish a definitive association between this variant and the reported condition. Therefore, this variant is classified as a variant of uncertain significance.

NM_000088.4(COL1A1):c.3656ATG[1] (p.Asp1220del)

Gene: COL1A1 (collagen type I alpha 1 chain; minus strand). Cytogenetic location: 17q21.33.
Variant type: Microsatellite.
Coding change: c.3656ATG[1] on transcript NM_000088.4 (MANE Select); one copy of the 3-base unit ATG starting at c.3656; the reference has two copies in a row; one copy, 3 bases deleted; also written c.3659_3661del.
Protein change: p.Asp1220del; deletes aspartic acid 1220.
Molecular consequence: inframe deletion.
Genome position (GRCh38, 1-based): chr17:50,186,793-50,186,795, CAT deleted on the plus strand (ATG on the coding strand, the reverse complement: COL1A1 is on the minus strand); deleting any 3 consecutive bases within chr17:50,186,793-50,186,800 gives the same sequence; the position shown is the placement nearest the transcript's 3' end. VCF-style (leftmost placement, unchanged base first): chr17-50186792-GCAT-G. GRCh37 (hg19) VCF-style: chr17-48264153-GCAT-G.
Other names: c.3659_3661del (NM_000088.4); short protein forms D1220del.
Identifiers: ClinVar variation 4884051 (VCV004884051.2).